The following is an entry in ClinVar:

NM_199355.4(ADAMTS18):c.1436G>T (p.Arg479Leu)

Gene: ADAMTS18 (ADAM metallopeptidase with thrombospondin type 1 motif 18; minus strand). Cytogenetic location: 16q23.1.
Variant type: single nucleotide variant.
Coding change: c.1436G>T on transcript NM_199355.4 (MANE Select); coding-DNA position 1436, G replaced by T.
Protein change: p.Arg479Leu; replaces arginine 479 with leucine.
Molecular consequence: missense variant.
Genome position (GRCh38, 1-based): chr16:77,355,964, C>A on the plus strand (G>T on the coding strand, the complement: ADAMTS18 is on the minus strand). VCF-style: chr16-77355964-C-A. GRCh37 (hg19) VCF-style: chr16-77389861-C-A.
Other names: c.920G>T, p.Arg307Leu (NM_001326358.2); short protein forms R307L, R479L.
Identifiers: ClinVar variation 1515705 (VCV001515705.6), dbSNP rs759290262, ClinGen allele CA284428640.
Genomic context (GRCh38, chr16:77,355,964, plus strand): 5'-AAACCTAGGAGCACCCCAGGATTTAACCTGTCATACCTGAGGAATTTCTTGAGATACTGG[C>A]GGCTGCAGGAAGACCATGAAAACACTCCATTGTTTCCGGTCAGTGTGGGAGACATGATAT-3'
Protein context (NP_955387.1, residues 469-489): NGVFSWSSCS[Arg479Leu]QYLKKFLSTP

ClinVar aggregate classification (germline): Uncertain significance (1 of 4 stars; one submission).

gnomAD v4.1: 1 of 1,614,008 alleles (0.000062%); highest among the groups gnomAD compares: Non-Finnish European, 0.000085%; no homozygotes.

Submission:

Labcorp Genetics (formerly Invitae), Labcorp
Classification: Uncertain significance. Last evaluated: 2025-03-17. Review status: criteria provided, single submitter. Criteria: Invitae Variant Classification Sherloc (09022015). Collection method: clinical testing. Allele origin: germline.
Comment: This sequence change replaces arginine, which is basic and polar, with leucine, which is neutral and non-polar, at codon 479 of the ADAMTS18 protein (p.Arg479Leu). This variant is not present in population databases (gnomAD no frequency). This variant has not been reported in the literature in individuals affected with ADAMTS18-related conditions. ClinVar contains an entry for this variant (Variation ID: 1515705). An algorithm developed to predict the effect of missense changes on protein structure and function (PolyPhen-2) suggests that this variant is likely to be disruptive. In summary, the available evidence is currently insufficient to determine the role of this variant in disease. Therefore, it has been classified as a Variant of Uncertain Significance.